The following is an entry in ClinVar:

ClinVar aggregate classification (germline): Uncertain significance. Review status: criteria provided, multiple submitters, no conflicts (2 of 4 stars). 2 submissions from 2 submitters: Uncertain significance (2). Last evaluated 2025-10-20.

Conditions:
Inborn genetic diseases. Identifiers: MedGen C0950123, MeSH D030342.
Sphingolipid activator protein 1 deficiency. Also called: Metachromatic leukodystrophy due to saposin B deficiency; METACHROMATIC LEUKODYSTROPHY DUE TO CEREBROSIDE SULFATASE ACTIVATOR DEFICIENCY; Saposin B Deficiency. Identifiers: Orphanet 512, MedGen C0268262, MONDO:0009590, OMIM 249900.

Allele frequency attached by ClinVar (database versions not stated): TOPMed below 0.00001; ExAC 0.00001; gnomAD 0.00001; gnomAD exomes 0.00001.
gnomAD v4.1: 7 of 1,614,024 alleles (0.00043%); highest among the groups gnomAD compares: Admixed American, 0.012%; no homozygotes.

Submissions (2):

Labcorp Genetics (formerly Invitae), Labcorp
Classification: Uncertain significance for Sphingolipid activator protein 1 deficiency. Last evaluated: 2025-10-20. Review status: criteria provided, single submitter. Criteria: Invitae Variant Classification Sherloc (09022015). Collection method: clinical testing. Allele origin: germline.
Comment: This sequence change replaces lysine, which is basic and polar, with arginine, which is basic and polar, at codon 143 of the PSAP protein (p.Lys143Arg). This variant is present in population databases (rs768267507, gnomAD 0.009%). This variant has not been reported in the literature in individuals affected with PSAP-related conditions. ClinVar contains an entry for this variant (Variation ID: 1432910). Invitae Evidence Modeling of protein sequence and biophysical properties (such as structural, functional, and spatial information, amino acid conservation, physicochemical variation, residue mobility, and thermodynamic stability) indicates that this missense variant is not expected to disrupt PSAP protein function with a negative predictive value of 95%. In summary, the available evidence is currently insufficient to determine the role of this variant in disease. Therefore, it has been classified as a Variant of Uncertain Significance.

Ambry Genetics
Classification: Uncertain significance for Inborn genetic diseases. Last evaluated: 2025-08-14. Review status: criteria provided, single submitter. Criteria: Ambry Variant Classification Scheme 2023. Collection method: clinical testing. Allele origin: germline.

NM_002778.4(PSAP):c.428A>G (p.Lys143Arg)

Gene: PSAP (prosaposin; minus strand). Cytogenetic location: 10q22.1.
Variant type: single nucleotide variant.
Coding change: c.428A>G on transcript NM_002778.4 (MANE Select); coding-DNA position 428, A replaced by G.
Protein change: p.Lys143Arg; replaces lysine 143 with arginine.
Molecular consequence: missense variant.
Genome position (GRCh38, 1-based): chr10:71,829,025, T>C on the plus strand (A>G on the coding strand, the complement: PSAP is on the minus strand). VCF-style: chr10-71829025-T-C. GRCh37 (hg19) VCF-style: chr10-73588782-T-C.
Other names: c.428A>G (NM_002778.2); c.428A>G, p.Lys143Arg (NM_001042465.3, NM_001042466.3); short protein forms K143R.
Identifiers: ClinVar variation 1432910 (VCV001432910.7), dbSNP rs768267507, ClinGen allele CA5547770.
Genomic context (GRCh38, chr10:71,829,025, plus strand): 5'-TCCAGCTCTGGGATCTTATTGGACTCCAGCTGCTTCTGGTGATTCAGCTCTGCTAGGTGC[T>C]TCTGGAGAGACTCGCAGAGGTTGAGAGCAGAGCACACCTCCCCAGGACGGCTCTGGTGGG-3'
Protein context (NP_002769.1, residues 133-153): SALNLCESLQ[Lys143Arg]HLAELNHQKQ